The following is an entry in ClinVar:

ClinVar aggregate classification (germline): Uncertain significance (1 of 4 stars; one submission).

Conditions:
Inborn genetic diseases. Identifiers: MedGen C0950123, MeSH D030342.

gnomAD v4.1: 18 of 1,497,026 alleles (0.0012%); highest among the groups gnomAD compares: South Asian, 0.0045%; no homozygotes.

Submission:

Ambry Genetics
Classification: Uncertain significance for Inborn genetic diseases. Last evaluated: 2026-07-06. Review status: criteria provided, single submitter. Criteria: Ambry Variant Classification Scheme 2023. Collection method: clinical testing. Allele origin: germline.
Comment: The p.M3874V variant (also known as c.11620A>G), located in coding exon 84 of the RYR1 gene, results from an A to G substitution at nucleotide position 11620. The methionine at codon 3874 is replaced by valine, an amino acid with highly similar properties. This amino acid position is conserved. In addition, the in silico prediction for this alteration is inconclusive. Based on the available evidence, the clinical significance of this variant remains unclear.

NM_000540.3(RYR1):c.11620A>G (p.Met3874Val)

Gene: RYR1 (ryanodine receptor 1; plus strand). Cytogenetic location: 19q13.2.
Variant type: single nucleotide variant.
Coding change: c.11620A>G on transcript NM_000540.3 (MANE Select); coding-DNA position 11620, A replaced by G.
Protein change: p.Met3874Val; replaces methionine 3874 with valine.
Molecular consequence: missense variant.
Genome position (GRCh38, 1-based): chr19:38,537,891, A>G. VCF-style: chr19-38537891-A-G. GRCh37 (hg19) VCF-style: chr19-39028531-A-G.
Other names: c.11605A>G, p.Met3869Val (NM_001042723.2); short protein forms M3869V, M3874V.
Identifiers: ClinVar variation 5028623 (VCV005028623.1).